The following is an entry in ClinVar:

NM_001379270.1(CNGA1):c.979A>G (p.Thr327Ala)

Genes: CNGA1 (cyclic nucleotide gated channel subunit alpha 1; minus strand), LOC101927157 (uncharacterized LOC101927157; plus strand). Cytogenetic location: 4p12.
Variant type: single nucleotide variant.
Coding change: c.979A>G on transcript NM_001379270.1 (MANE Select); coding-DNA position 979, A replaced by G.
Protein change: p.Thr327Ala; replaces threonine 327 with alanine.
Molecular consequence: missense variant.
Genome position (GRCh38, 1-based): chr4:47,937,503, T>C on the plus strand (A>G on the coding strand, the complement: CNGA1 is on the minus strand). VCF-style: chr4-47937503-T-C. GRCh37 (hg19) VCF-style: chr4-47939520-T-C.
Other names: c.979A>G, p.Thr327Ala (NM_000087.5, NM_001142564.2); short protein forms T327A.
Identifiers: ClinVar variation 1926638 (VCV001926638.5), dbSNP rs2475751565, ClinGen allele CA356827700.

ClinVar aggregate classification (germline): Uncertain significance (1 of 4 stars; one submission).

Submission:

Labcorp Genetics (formerly Invitae), Labcorp
Classification: Uncertain significance. Last evaluated: 2022-10-18. Review status: criteria provided, single submitter. Criteria: Invitae Variant Classification Sherloc (09022015). Collection method: clinical testing. Allele origin: germline.
Comment: This sequence change replaces threonine, which is neutral and polar, with alanine, which is neutral and non-polar, at codon 331 of the CNGA1 protein (p.Thr331Ala). This variant is not present in population databases (gnomAD no frequency). This variant has not been reported in the literature in individuals affected with CNGA1-related conditions. Algorithms developed to predict the effect of missense changes on protein structure and function output the following: SIFT: "Tolerated"; PolyPhen-2: "Benign"; Align-GVGD: "Class C0". The alanine amino acid residue is found in multiple mammalian species, which suggests that this missense change does not adversely affect protein function. In summary, the available evidence is currently insufficient to determine the role of this variant in disease. Therefore, it has been classified as a Variant of Uncertain Significance.